The following is an entry in ClinVar:

ClinVar aggregate classification (germline): Benign/Likely benign (0 of 4 stars; one submission).

Submission:

ISCA Site 6
Classification: Benign/Likely benign. Review status: no assertion criteria provided. Collection method: clinical testing. Allele origin: unknown. Affected: yes. Observed: 2 variant alleles.
Comment: Likely benign (1), Benign (1)

Copy number variation identified through the course of routine clinical cytogenomic testing in postnatal populations, with clinical assertions as classified by the original submitter. For data from the original published study, Kaminsky, et al. 2011 (PubMed 21844811), please see nstd101.

GRCh37/hg19 Xq28(chrX:153169608-153170664)x3

Gene: AVPR2 (arginine vasopressin receptor 2; plus strand). Cytogenetic location: Xq28.
Variant type: copy number gain.
Change: copy number 3 of chrX:153,169,608-153,170,664 (1.1 kb, GRCh37 coordinates, 1-based), cytogenetic band Xq28.
Identifiers: ClinVar variation 394487 (VCV000394487.3).